The following is an entry in ClinVar:

ClinVar aggregate classification (germline): Uncertain significance/Uncertain risk allele. Review status: criteria provided, multiple submitters, no conflicts (2 of 4 stars). 4 submissions from 4 submitters: Uncertain significance (3); Uncertain risk allele (1). Last evaluated 2024-10-27.

Conditions:
Diabetic retinopathy. Identifiers: MedGen C0011884, MONDO:0005266.
Familial thoracic aortic aneurysm and aortic dissection (TAAD). Also called: Thoracic aortic aneurysms and dissections. Identifiers: Orphanet 91387, MedGen C4707243, MONDO:0019625.

gnomAD v4.1: 1 of 1,602,748 alleles (0.000062%); highest among the groups gnomAD compares: Non-Finnish European, 0.000085%; no homozygotes.

Submissions (4):

Ambry Genetics
Classification: Uncertain significance for Familial thoracic aortic aneurysm and aortic dissection. Last evaluated: 2024-10-27. Review status: criteria provided, single submitter. Criteria: Ambry Variant Classification Scheme 2023. Collection method: clinical testing. Allele origin: germline.
Comment: The p.I20V variant (also known as c.58A>G), located in coding exon 1 of the TGFBR2 gene, results from an A to G substitution at nucleotide position 58. The isoleucine at codon 20 is replaced by valine, an amino acid with highly similar properties. This amino acid position is conserved. In addition, this alteration is predicted to be tolerated by in silico analysis. Based on the available evidence, the clinical significance of this variant remains unclear.

Color Diagnostics, LLC DBA Color Health
Classification: Uncertain significance for Familial thoracic aortic aneurysm and aortic dissection. Last evaluated: 2023-12-05. Review status: criteria provided, single submitter. Criteria: ACMG Guidelines, 2015. Collection method: clinical testing. Allele origin: germline.
Comment: Variant of Uncertain Significance due to insufficient evidence: This missense variant is located in thesignal peptide sequence of the TGFBR2 protein. Computational prediction tools and conservation analyses suggest that this variant may not impact the protein function. Computational splicing tools suggest that this variant may not impact RNA splicing. To our knowledge, functional assays have not been performed for this variant nor has this variant been reported in individuals affected with cardiovascular disorders in the literature. This variant is rare in the general population and has been identified in 0/277264 chromosomes by the Genome Aggregation Database (gnomAD). Available evidence is insufficient to determine the pathogenicity of this variant conclusively.

Labcorp Genetics (formerly Invitae), Labcorp
Classification: Uncertain significance for Familial thoracic aortic aneurysm and aortic dissection. Last evaluated: 2023-12-03. Review status: criteria provided, single submitter. Criteria: Invitae Variant Classification Sherloc (09022015). Collection method: clinical testing. Allele origin: germline.
Comment: This sequence change replaces isoleucine, which is neutral and non-polar, with valine, which is neutral and non-polar, at codon 20 of the TGFBR2 protein (p.Ile20Val). This variant is not present in population databases (gnomAD no frequency). This variant has not been reported in the literature in individuals affected with TGFBR2-related conditions. ClinVar contains an entry for this variant (Variation ID: 920717). Advanced modeling of protein sequence and biophysical properties (such as structural, functional, and spatial information, amino acid conservation, physicochemical variation, residue mobility, and thermodynamic stability) performed at Invitae indicates that this missense variant is not expected to disrupt TGFBR2 protein function with a negative predictive value of 95%. In summary, the available evidence is currently insufficient to determine the role of this variant in disease. Therefore, it has been classified as a Variant of Uncertain Significance.

Clinical Genomics, Uppaluri K&H Personalized Medicine Clinic
Classification: Uncertain risk allele for Diabetic retinopathy. Review status: criteria provided, single submitter. Criteria: K And H Uppaluri Personalized Medicine Clinic Variant Classification And Assertion Criteria Updated V 2. Collection method: research. Allele origin: unknown.
Comment: Potent mutations in TGFBR2 gene encodes the transforming growth factor that have been associated with angiogenesis and diabetic retinopathy. More clinical studies are needed for stronger association. However, more evidence is required to confer the association of this particular variant rs1697933766 with diabetic retinopathy.

Literature cited by the submitters: PubMed 30222965 (cited by Clinical Genomics, Uppaluri K&H Personalized Medicine Clinic); PubMed 28162229 (cited by Clinical Genomics, Uppaluri K&H Personalized Medicine Clinic); PubMed 34572573 (cited by Clinical Genomics, Uppaluri K&H Personalized Medicine Clinic).

NM_003242.6(TGFBR2):c.58A>G (p.Ile20Val)

Gene: TGFBR2 (transforming growth factor beta receptor 2; plus strand). Cytogenetic location: 3p24.1.
Variant type: single nucleotide variant.
Coding change: c.58A>G on transcript NM_003242.6 (MANE Select); coding-DNA position 58, A replaced by G.
Protein change: p.Ile20Val; replaces isoleucine 20 with valine.
Molecular consequence: missense variant.
Genome position (GRCh38, 1-based): chr3:30,606,941, A>G. VCF-style: chr3-30606941-A-G. GRCh37 (hg19) VCF-style: chr3-30648433-A-G.
Other names: c.58A>G, p.Ile20Val (NM_001024847.3, NM_001407126.1, NM_001407127.1 and 4 more transcripts); c.-226A>G (NM_001407133.1); c.-104A>G (NM_001407134.1); c.-151A>G (NM_001407135.1); c.-236A>G (NM_001407136.1); short protein forms I20V.
Identifiers: ClinVar variation 920717 (VCV000920717.10), dbSNP rs1697933766, ClinGen allele CA351830570.